The following is an entry in ClinVar:

ClinVar aggregate classification (germline): Uncertain significance (1 of 4 stars; one submission).

Allele frequency attached by ClinVar (database versions not stated): gnomAD exomes below 0.00001.
gnomAD v4.1: 2 of 1,613,794 alleles (0.00012%); highest among the groups gnomAD compares: Non-Finnish European, 0.00017%; no homozygotes.

Submission:

Labcorp Genetics (formerly Invitae), Labcorp
Classification: Uncertain significance. Last evaluated: 2024-10-22. Review status: criteria provided, single submitter. Criteria: Invitae Variant Classification Sherloc (09022015). Collection method: clinical testing. Allele origin: germline.
Comment: This sequence change replaces proline, which is neutral and non-polar, with alanine, which is neutral and non-polar, at codon 590 of the PCDH15 protein (p.Pro590Ala). This variant is present in population databases (no rsID available, gnomAD 0.0009%). This missense change has been observed in individual(s) with childhood-onset deafness (internal data). In at least one individual the data is consistent with being in trans (on the opposite chromosome) from a pathogenic variant. Invitae Evidence Modeling of protein sequence and biophysical properties (such as structural, functional, and spatial information, amino acid conservation, physicochemical variation, residue mobility, and thermodynamic stability) indicates that this missense variant is not expected to disrupt PCDH15 protein function with a negative predictive value of 95%. In summary, the available evidence is currently insufficient to determine the role of this variant in disease. Therefore, it has been classified as a Variant of Uncertain Significance.

NM_001384140.1(PCDH15):c.1768C>G (p.Pro590Ala)

Gene: PCDH15 (protocadherin related 15; minus strand). Cytogenetic location: 10q21.1.
Variant type: single nucleotide variant.
Coding change: c.1768C>G on transcript NM_001384140.1 (MANE Select); coding-DNA position 1768, C replaced by G.
Protein change: p.Pro590Ala; replaces proline 590 with alanine.
Molecular consequence: missense variant.
Genome position (GRCh38, 1-based): chr10:54,153,116, G>C on the plus strand (C>G on the coding strand, the complement: PCDH15 is on the minus strand). VCF-style: chr10-54153116-G-C. GRCh37 (hg19) VCF-style: chr10-55912876-G-C.
Other names: c.1783C>G, p.Pro595Ala (NM_001142763.2, NM_001142771.2); c.1768C>G, p.Pro590Ala (NM_001142764.2, NM_001142765.2, NM_001142766.2 and 6 more transcripts); c.1657C>G, p.Pro553Ala (NM_001142767.2); c.1702C>G, p.Pro568Ala (NM_001142768.2, NM_001142773.2, NM_001354404.2); c.1804C>G, p.Pro602Ala (NM_001142769.4); c.1789C>G, p.Pro597Ala (NM_001354411.2); short protein forms P553A, P590A, P597A, P568A, P595A, P602A.
Identifiers: ClinVar variation 2996220 (VCV002996220.3), dbSNP rs1399683085, ClinGen allele CA376519054.